The following is an entry in ClinVar:

NM_002470.4(MYH3):c.5160G>A (p.Gln1720=)

Gene: MYH3 (myosin heavy chain 3; minus strand). Cytogenetic location: 17p13.1.
Variant type: single nucleotide variant.
Coding change: c.5160G>A on transcript NM_002470.4 (MANE Select); coding-DNA position 5160, G replaced by A.
Protein change: p.Gln1720=; no amino-acid change (glutamine 1720 retained).
Molecular consequence: synonymous variant.
Genome position (GRCh38, 1-based): chr17:10,631,813, C>T on the plus strand (G>A on the coding strand, the complement: MYH3 is on the minus strand). VCF-style: chr17-10631813-C-T. GRCh37 (hg19) VCF-style: chr17-10535130-C-T.
Identifiers: ClinVar variation 4703531 (VCV004703531.1).
Genomic context (GRCh38, chr17:10,631,813, plus strand): 5'-GCTGTTAACCAGGTGCGTATGAGGCTGGAACCTCGCCTCTCTTCCTCTCCCTCCCCTCAC[C>T]TGGGTATGCAGCAGCTGCACCCTCTCGTTGGAGTCCAGGAGCTCCTGTTCCGCCAGTTTC-3'
Protein context (NP_002461.2, residues 1710-1730): SNERVQLLHT[Gln1720=]NTSLIHTKKK

ClinVar aggregate classification (germline): Uncertain significance (1 of 4 stars; one submission).

gnomAD v4.1: 16 of 1,614,158 alleles (0.00099%); highest among the groups gnomAD compares: Non-Finnish European, 0.0012%; no homozygotes.

Submission:

Labcorp Genetics (formerly Invitae), Labcorp
Classification: Uncertain significance. Last evaluated: 2025-08-03. Review status: criteria provided, single submitter. Criteria: Invitae Variant Classification Sherloc (09022015). Collection method: clinical testing. Allele origin: germline.
Comment: This sequence change affects codon 1720 of the MYH3 mRNA. It is a 'silent' change, meaning that it does not change the encoded amino acid sequence of the MYH3 protein. This variant also falls at the last nucleotide of exon 35, which is part of the consensus splice site for this exon. This variant is present in population databases (rs747056618, gnomAD 0.007%). This variant has not been reported in the literature in individuals affected with MYH3-related conditions. Variants that disrupt the consensus splice site are a relatively common cause of aberrant splicing (PMID: 17576681, 9536098). Algorithms developed to predict the effect of sequence changes on RNA splicing suggest that this variant may disrupt the consensus splice site. In summary, the available evidence is currently insufficient to determine the role of this variant in disease. Therefore, it has been classified as a Variant of Uncertain Significance.

Literature cited by the submitters: PubMed 17576681; PubMed 9536098.